The following is an entry in ClinVar:

ClinVar aggregate classification (germline): Uncertain significance (1 of 4 stars; one submission).

Submission:

Ambry Genetics
Classification: Uncertain significance. Last evaluated: 2026-03-10. Review status: criteria provided, single submitter. Criteria: Ambry Variant Classification Scheme 2023. Collection method: clinical testing. Allele origin: germline.
Comment: The p.Y163* variant (also known as c.489T>A), located in coding exon 5 of the RAD51B gene, results from a T to A substitution at nucleotide position 489. This changes the amino acid from a tyrosine to a stop codon within coding exon 5. The evidence for this gene-disease relationship is limited; therefore, the clinical significance of this variant is unclear.

NM_133510.4(RAD51B):c.489T>A (p.Tyr163Ter)

Gene: RAD51B (RAD51 paralog B; plus strand). Cytogenetic location: 14q24.1.
Variant type: single nucleotide variant.
Coding change: c.489T>A on transcript NM_133510.4 (MANE Select); coding-DNA position 489, T replaced by A.
Protein change: p.Tyr163Ter; replaces tyrosine 163 with a stop codon.
Molecular consequence: nonsense.
Genome position (GRCh38, 1-based): chr14:67,885,905, T>A. VCF-style: chr14-67885905-T-A. GRCh37 (hg19) VCF-style: chr14-68352622-T-A.
Other names: c.489T>A, p.Tyr163Ter (NM_001321809.2, NM_001321810.2, NM_001321812.1 and 6 more transcripts); c.375T>A, p.Tyr125Ter (NM_001321815.1); c.132T>A, p.Tyr44Ter (NM_001321817.2); short protein forms Y125*, Y163*, Y44*.
Identifiers: ClinVar variation 4826668 (VCV004826668.1).